The following is an entry in ClinVar:

ClinVar aggregate classification (germline): Uncertain significance. Review status: criteria provided, single submitter (1 of 4 stars). 2 submissions from 2 submitters: Uncertain significance (1). 1 of the submissions does not count toward it. Last evaluated 2022-08-10.

Conditions:
IFT27-related disorder. Also called: IFT27-related condition.

Allele frequency attached by ClinVar (database versions not stated): gnomAD 0.00001; TOPMed 0.00001; ExAC 0.00002; gnomAD exomes 0.00002.

Submissions (2):

Labcorp Genetics (formerly Invitae), Labcorp
Classification: Uncertain significance. Last evaluated: 2022-08-10. Review status: criteria provided, single submitter. Criteria: Invitae Variant Classification Sherloc (09022015). Collection method: clinical testing. Allele origin: germline.
Comment: In summary, the available evidence is currently insufficient to determine the role of this variant in disease. Therefore, it has been classified as a Variant of Uncertain Significance. Algorithms developed to predict the effect of sequence changes on RNA splicing suggest that this variant may disrupt the consensus splice site. Advanced modeling of protein sequence and biophysical properties (such as structural, functional, and spatial information, amino acid conservation, physicochemical variation, residue mobility, and thermodynamic stability) performed at Invitae indicates that this missense variant is expected to disrupt IFT27 protein function. This variant has not been reported in the literature in individuals affected with IFT27-related conditions. This variant is present in population databases (rs772753691, gnomAD 0.03%). This sequence change replaces glycine, which is neutral and non-polar, with serine, which is neutral and polar, at codon 66 of the IFT27 protein (p.Gly66Ser).

PreventionGenetics, part of Exact Sciences
Classification: Uncertain significance for IFT27-related condition. Last evaluated: 2023-12-11. Review status: no assertion criteria provided. Collection method: clinical testing. Allele origin: germline. Not counted in ClinVar's aggregate classification.
Comment: The IFT27 c.196G>A variant is predicted to result in the amino acid substitution p.Gly66Ser. To our knowledge, this variant has not been reported in the literature. This variant is reported in 0.032% of alleles in individuals of Latino descent in gnomAD. At this time, the clinical significance of this variant is uncertain due to the absence of conclusive functional and genetic evidence.

NM_001177701.3(IFT27):c.199G>A (p.Gly67Ser)

Genes: CACNG2-DT (CACNG2 divergent transcript; plus strand), IFT27 (intraflagellar transport 27; minus strand), LOC126863139 (CDK7 strongly-dependent group 2 enhancer GRCh37_chr22:37161913-37163112; plus strand). Cytogenetic location: 22q12.3.
Variant type: single nucleotide variant.
Coding change: c.199G>A on transcript NM_001177701.3 (MANE Select); coding-DNA position 199, G replaced by A.
Protein change: p.Gly67Ser; replaces glycine 67 with serine.
Molecular consequence: missense variant.
Genome position (GRCh38, 1-based): chr22:36,766,173, C>T on the plus strand (G>A on the coding strand, the complement: IFT27 is on the minus strand). VCF-style: chr22-36766173-C-T. GRCh37 (hg19) VCF-style: chr22-37162217-C-T.
Other names: c.199G>A, p.Gly67Ser (NM_001363003.2); c.196G>A, p.Gly66Ser (NM_006860.5); c.196G>A (NM_006860.4); short protein forms G67S, G66S.
Identifiers: ClinVar variation 1902941 (VCV001902941.5), dbSNP rs772753691, ClinGen allele CA10212458.